The following is an entry in ClinVar:

ClinVar aggregate classification (germline): Uncertain significance (1 of 4 stars; one submission).

Submission:

GeneDx
Classification: Uncertain significance. Last evaluated: 2023-08-09. Review status: criteria provided, single submitter. Criteria: GeneDx Variant Classification Process June 2021. Collection method: clinical testing. Allele origin: germline. Affected: yes.
Comment: Not observed at significant frequency in large population cohorts (gnomAD); In silico analysis supports that this missense variant has a deleterious effect on protein structure/function; Has not been previously published as pathogenic or benign to our knowledge

NM_001385012.1(NBEA):c.2237G>A (p.Gly746Glu)

Gene: NBEA (neurobeachin; plus strand). Cytogenetic location: 13q13.3.
Variant type: single nucleotide variant.
Coding change: c.2237G>A on transcript NM_001385012.1 (MANE Select); coding-DNA position 2237, G replaced by A.
Protein change: p.Gly746Glu; replaces glycine 746 with glutamic acid.
Molecular consequence: missense variant.
Genome position (GRCh38, 1-based): chr13:35,118,468, G>A. VCF-style: chr13-35118468-G-A. GRCh37 (hg19) VCF-style: chr13-35692605-G-A.
Other names: c.2237G>A, p.Gly746Glu (NM_001379245.1, NM_015678.5); short protein forms G746E.
Identifiers: ClinVar variation 3361580 (VCV003361580.1).
Genomic context (GRCh38, chr13:35,118,468, plus strand): 5'-TGGTGGCTTTAATGTCGGAACACCCAGCCTCAATGATACCAGCATTTGATCAAAGAAATG[G>A]AATAAGGTATGATTATAATATTAGTATTACTATTAGACTTTAATGGAGCACAGTTGTTCC-3'
Protein context (NP_001371941.1, residues 736-756): SMIPAFDQRN[Gly746Glu]IRVIYKLLAS